The following is an entry in ClinVar:

NM_001130438.3(SPTAN1):c.1588G>A (p.Ala530Thr)

Gene: SPTAN1 (spectrin alpha, non-erythrocytic 1; plus strand). Cytogenetic location: 9q34.11.
Variant type: single nucleotide variant.
Coding change: c.1588G>A on transcript NM_001130438.3 (MANE Select); coding-DNA position 1588, G replaced by A.
Protein change: p.Ala530Thr; replaces alanine 530 with threonine.
Molecular consequence: missense variant.
Genome position (GRCh38, 1-based): chr9:128,582,494, G>A. VCF-style: chr9-128582494-G-A. GRCh37 (hg19) VCF-style: chr9-131344773-G-A.
Other names: c.1588G>A, p.Ala530Thr (NM_001195532.2, NM_001363759.2, NM_001363765.2 and 10 more transcripts); c.1624G>A, p.Ala542Thr (NM_001375312.2, NM_001375318.1, NM_001438440.1); short protein forms A542T, A530T.
Identifiers: ClinVar variation 5008772 (VCV005008772.1).

ClinVar aggregate classification (germline): Uncertain significance (1 of 4 stars; one submission).

Submission:

GeneDx
Classification: Uncertain significance. Last evaluated: 2026-03-09. Review status: criteria provided, single submitter. Criteria: GeneDx Variant Classification Process June 2021. Collection method: clinical testing. Allele origin: germline.
Comment: Not observed at significant frequency in large population cohorts (gnomAD); In silico analysis supports that this missense variant has a deleterious effect on protein structure/function; Has not been previously published as pathogenic or benign to our knowledge